The following is an entry in ClinVar:

NM_152384.3(BBS5):c.313C>T (p.Arg105Cys)

Gene: BBS5 (Bardet-Biedl syndrome 5; plus strand). Cytogenetic location: 2q31.1.
Variant type: single nucleotide variant.
Coding change: c.313C>T on transcript NM_152384.3 (MANE Select); coding-DNA position 313, C replaced by T.
Protein change: p.Arg105Cys; replaces arginine 105 with cysteine.
Molecular consequence: missense variant.
Genome position (GRCh38, 1-based): chr2:169,488,041, C>T. VCF-style: chr2-169488041-C-T. GRCh37 (hg19) VCF-style: chr2-170344551-C-T.
Other names: short protein forms R105C.
Identifiers: ClinVar variation 998548 (VCV000998548.7), dbSNP rs764755791, ClinGen allele CA1956183.
Genomic context (GRCh38, chr2:169,488,041, plus strand): 5'-TTACAGAAATTACGAGGCCAAACTGAAGCTCTCTATATACTAACAAAATGTAACAGTACT[C>T]GTTTTGAATTTATATTTACAAATTTGGTTCCTGGAAGCCCTAGACTTTTTACTTCTGTGA-3'
Protein context (NP_689597.1, residues 95-115): LYILTKCNST[Arg105Cys]FEFIFTNLVP

ClinVar aggregate classification (germline): Uncertain significance (1 of 4 stars; one submission).

Conditions:
Bardet-Biedl syndrome (BBS). Identifiers: Orphanet 110, MedGen C0752166, MONDO:0015229.

Allele frequency attached by ClinVar (database versions not stated): gnomAD below 0.00001 and 0.00001; gnomAD exomes below 0.00001; ExAC 0.00001.
gnomAD v4.1: 5 of 1,613,270 alleles (0.00031%); highest among the groups gnomAD compares: South Asian, 0.0011%; no homozygotes.

Submission:

Labcorp Genetics (formerly Invitae), Labcorp
Classification: Uncertain significance for Bardet-Biedl syndrome. Last evaluated: 2025-08-21. Review status: criteria provided, single submitter. Criteria: Invitae Variant Classification Sherloc (09022015). Collection method: clinical testing. Allele origin: germline.
Comment: This sequence change replaces arginine, which is basic and polar, with cysteine, which is neutral and slightly polar, at codon 105 of the BBS5 protein (p.Arg105Cys). This variant is present in population databases (rs764755791, gnomAD 0.0009%). This variant has not been reported in the literature in individuals affected with BBS5-related conditions. ClinVar contains an entry for this variant (Variation ID: 998548). Invitae Evidence Modeling of protein sequence and biophysical properties (such as structural, functional, and spatial information, amino acid conservation, physicochemical variation, residue mobility, and thermodynamic stability) indicates that this missense variant is expected to disrupt BBS5 protein function with a positive predictive value of 80%. In summary, the available evidence is currently insufficient to determine the role of this variant in disease. Therefore, it has been classified as a Variant of Uncertain Significance.